The following is an entry in ClinVar:

ClinVar aggregate classification (germline): Uncertain significance. Review status: criteria provided, multiple submitters, no conflicts (2 of 4 stars). 2 submissions from 2 submitters: Uncertain significance (2). Last evaluated 2024-03-05.

Conditions:
Tuberous sclerosis syndrome (TSC). Also called: Tuberous Sclerosis Complex; Tuberous sclerosis. Identifiers: Orphanet 805, MedGen C0041341, MONDO:0001734.
Tuberous sclerosis 1 (TSC1). Identifiers: Orphanet 805, MedGen C1854465, MONDO:0008612, OMIM 191100.

Submissions (2):

All of Us Research Program, National Institutes of Health
Classification: Uncertain significance for Tuberous sclerosis syndrome. Last evaluated: 2024-03-05. Review status: criteria provided, single submitter. Criteria: ACMG Guidelines, 2015. Collection method: clinical testing. Allele origin: germline. Inheritance: Autosomal dominant inheritance. Observed: 1 variant allele, 1 heterozygote.
Comment: This study involves interpretation of variants in research participants for the purpose of population health screening. Participant phenotype was not available at the time of variant classification. Additional details can be found in publication PMID: 35346344, PMCID: PMC8962531

Labcorp Genetics (formerly Invitae), Labcorp
Classification: Uncertain significance for Tuberous sclerosis 1. Last evaluated: 2023-12-18. Review status: criteria provided, single submitter. Criteria: Invitae Variant Classification Sherloc (09022015). Collection method: clinical testing. Allele origin: germline.
Comment: This sequence change replaces serine, which is neutral and polar, with arginine, which is basic and polar, at codon 348 of the TSC1 protein (p.Ser348Arg). This variant is not present in population databases (gnomAD no frequency). This variant has not been reported in the literature in individuals affected with TSC1-related conditions. Advanced modeling of protein sequence and biophysical properties (such as structural, functional, and spatial information, amino acid conservation, physicochemical variation, residue mobility, and thermodynamic stability) performed at Invitae indicates that this missense variant is not expected to disrupt TSC1 protein function with a negative predictive value of 95%. In summary, the available evidence is currently insufficient to determine the role of this variant in disease. Therefore, it has been classified as a Variant of Uncertain Significance.

NM_000368.5(TSC1):c.1044C>A (p.Ser348Arg)

Gene: TSC1 (TSC complex subunit 1; minus strand). Cytogenetic location: 9q34.13.
Variant type: single nucleotide variant.
Coding change: c.1044C>A on transcript NM_000368.5 (MANE Select); coding-DNA position 1044, C replaced by A.
Protein change: p.Ser348Arg; replaces serine 348 with arginine.
Molecular consequence: missense variant. On other transcripts: 5 prime UTR variant (2), non-coding transcript variant (5).
Genome position (GRCh38, 1-based): chr9:132,911,099, G>T on the plus strand (C>A on the coding strand, the complement: TSC1 is on the minus strand). VCF-style: chr9-132911099-G-T. GRCh37 (hg19) VCF-style: chr9-135786486-G-T.
Other names: c.681C>A, p.Ser227Arg (NM_001406625.1, NM_001362177.2, NM_001406619.1 and 10 more transcripts); c.93C>A, p.Ser31Arg (NM_001406626.1, NM_001406627.1, NM_001406628.1); c.1044C>A, p.Ser348Arg (NM_001162426.2, NM_001406592.1, NM_001406593.1 and 16 more transcripts); c.891C>A, p.Ser297Arg (NM_001162427.2, NM_001406610.1, NM_001406611.1 and 2 more transcripts); c.-7C>A (NM_001406629.1, NM_001406630.1); short protein forms S297R, S227R, S31R, S348R.
Identifiers: ClinVar variation 2703870 (VCV002703870.4), dbSNP rs2131964122, ClinGen allele CA375367848.